The following is an entry in ClinVar:

ClinVar aggregate classification (germline): Pathogenic (1 of 4 stars; one submission).

Conditions:
Greig cephalopolysyndactyly syndrome (GCPS). Also called: GLI3-Related Greig Cephalopolysyndactyly Syndrome; POLYSYNDACTYLY WITH PECULIAR SKULL SHAPE; Greig syndrome. Identifiers: Orphanet 380, MedGen C0265306, MONDO:0008287, OMIM 175700.
Pallister-Hall syndrome (PHS). Also called: HYPOTHALAMIC HAMARTOBLASTOMA, HYPOPITUITARISM, IMPERFORATE ANUS, AND POSTAXIAL POLYDACTYLY; GLI3-Related Pallister-Hall Syndrome. Identifiers: Orphanet 672, MedGen C0265220, MONDO:0007804, OMIM 146510.

Submission:

Labcorp Genetics (formerly Invitae), Labcorp
Classification: Pathogenic for Pallister-Hall syndrome; Greig cephalopolysyndactyly syndrome. Last evaluated: 2021-07-28. Review status: criteria provided, single submitter. Criteria: Invitae Variant Classification Sherloc (09022015). Collection method: clinical testing. Allele origin: germline.
Comment: This sequence change affects an acceptor splice site in intron 14 of the GLI3 gene. RNA analysis indicates that this variant induces altered splicing and likely disrupts the C-terminus of the protein. This variant is not present in population databases (ExAC no frequency). Disruption of this splice site has been observed in individual(s) with Pallister-Hall syndrome (PMID: 28224613). Nucleotide substitutions within the consensus splice site are a relatively common cause of aberrant splicing (PMID: 17576681, 9536098). Studies have shown that disruption of this splice site results in inclusion of intron 14, which introduces a new termination codon (PMID: 28224613). However the mRNA is not expected to undergo nonsense-mediated decay. This variant disrupts a region of the GLI3 protein in which other variant(s) (p.Thr1488Lysfs*23) have been determined to be pathogenic (PMID: 24736735). This suggests that this is a clinically significant region of the protein, and that variants that disrupt it are likely to be disease-causing. For these reasons, this variant has been classified as Pathogenic.

Literature cited by the submitters: PubMed 28224613; PubMed 17576681; PubMed 9536098; PubMed 24736735.

NM_000168.6(GLI3):c.2432-1G>A

Gene: GLI3 (GLI family zinc finger 3; minus strand). Cytogenetic location: 7p14.1.
Variant type: single nucleotide variant.
Coding change: c.2432-1G>A on transcript NM_000168.6 (MANE Select); the canonical splice acceptor site of the intron before coding-DNA position 2432, G replaced by A.
Molecular consequence: splice acceptor variant.
Genome position (GRCh38, 1-based): chr7:41,966,642, C>T on the plus strand (G>A on the coding strand, the complement: GLI3 is on the minus strand). VCF-style: chr7-41966642-C-T. GRCh37 (hg19) VCF-style: chr7-42006240-C-T.
Identifiers: ClinVar variation 1406215 (VCV001406215.6), dbSNP rs2128706417, ClinGen allele CA367321103.